The following is an entry in ClinVar:

ClinVar aggregate classification (germline): Uncertain significance (1 of 4 stars; one submission).

Allele frequency attached by ClinVar (database versions not stated): gnomAD 0.00001; TOPMed 0.00002; gnomAD exomes 0.00003 and 0.00004; ExAC 0.00007; 1000 Genomes Project 0.00020; 1000 Genomes Project 30x 0.00031.

Submission:

Labcorp Genetics (formerly Invitae), Labcorp
Classification: Uncertain significance. Last evaluated: 2025-07-13. Review status: criteria provided, single submitter. Criteria: Invitae Variant Classification Sherloc (09022015). Collection method: clinical testing. Allele origin: germline.
Comment: This sequence change replaces arginine, which is basic and polar, with cysteine, which is neutral and slightly polar, at codon 209 of the UNC119 protein (p.Arg209Cys). This variant is present in population databases (rs531404546, gnomAD 0.02%). This variant has not been reported in the literature in individuals affected with UNC119-related conditions. ClinVar contains an entry for this variant (Variation ID: 971093). An algorithm developed to predict the effect of missense changes on protein structure and function (PolyPhen-2) suggests that this variant is likely to be tolerated. In summary, the available evidence is currently insufficient to determine the role of this variant in disease. Therefore, it has been classified as a Variant of Uncertain Significance.

NM_005148.4(UNC119):c.625C>T (p.Arg209Cys)

Gene: UNC119 (unc-119 lipid binding chaperone; minus strand). Cytogenetic location: 17q11.2.
Variant type: single nucleotide variant.
Coding change: c.625C>T on transcript NM_005148.4 (MANE Select); coding-DNA position 625, C replaced by T.
Protein change: p.Arg209Cys; replaces arginine 209 with cysteine.
Molecular consequence: missense variant. On other transcripts: 3 prime UTR variant (1).
Genome position (GRCh38, 1-based): chr17:28,547,395, G>A on the plus strand (C>T on the coding strand, the complement: UNC119 is on the minus strand). VCF-style: chr17-28547395-G-A. GRCh37 (hg19) VCF-style: chr17-26874413-G-A.
Other names: c.340C>T, p.Arg114Cys (NM_001330166.2); c.*229C>T (NM_054035.2); short protein forms R209C, R114C.
Identifiers: ClinVar variation 971093 (VCV000971093.7), dbSNP rs531404546, ClinGen allele CA8459709.